The following is an entry in ClinVar:

ClinVar aggregate classification (germline): Uncertain significance (1 of 4 stars; one submission).

Conditions:
Osteogenesis imperfecta type 7 (OI7). Also called: OI type 7; OI type VII; OSTEOGENESIS IMPERFECTA, TYPE IIB; Osteogenesis imperfecta type 2B; OI type 2B; Osteogenesis imperfecta, perinatal lethal autosomal recessive. Identifiers: MedGen C1853162, MONDO:0012536, OMIM 610682.

Allele frequency attached by ClinVar (database versions not stated): gnomAD exomes 0.00001.
gnomAD v4.1: 3 of 1,613,408 alleles (0.00019%); highest among the groups gnomAD compares: Non-Finnish European, 0.00025%; no homozygotes.

Submission:

Labcorp Genetics (formerly Invitae), Labcorp
Classification: Uncertain significance for Osteogenesis imperfecta type 7. Last evaluated: 2022-05-03. Review status: criteria provided, single submitter. Criteria: Invitae Variant Classification Sherloc (09022015). Collection method: clinical testing. Allele origin: germline.
Comment: Algorithms developed to predict the effect of sequence changes on RNA splicing suggest that this variant may create or strengthen a splice site. This variant has not been reported in the literature in individuals affected with CRTAP-related conditions. This variant is not present in population databases (gnomAD no frequency). This sequence change falls in intron 5 of the CRTAP gene. It does not directly change the encoded amino acid sequence of the CRTAP protein. In summary, the available evidence is currently insufficient to determine the role of this variant in disease. Therefore, it has been classified as a Variant of Uncertain Significance.

NM_006371.5(CRTAP):c.1068+12G>A

Gene: CRTAP (cartilage associated protein; plus strand). Cytogenetic location: 3p22.3.
Variant type: single nucleotide variant.
Coding change: c.1068+12G>A on transcript NM_006371.5 (MANE Select); 12 bases into the intron after coding-DNA position 1068, G replaced by A.
Molecular consequence: intron variant.
Genome position (GRCh38, 1-based): chr3:33,132,712, G>A. VCF-style: chr3-33132712-G-A. GRCh37 (hg19) VCF-style: chr3-33174204-G-A.
Other names: c.1068+12G>A (NM_001393363.1); c.939+12G>A (NM_001393364.1); c.918+12G>A (NM_001393365.1).
Identifiers: ClinVar variation 2058984 (VCV002058984.4), dbSNP rs2471585653, ClinGen allele CA2580069254.